The following is an entry in ClinVar:

NM_005188.4(CBL):c.192C>G (p.Asp64Glu)

Gene: CBL (Cbl proto-oncogene; plus strand). Cytogenetic location: 11q23.3.
Variant type: single nucleotide variant.
Coding change: c.192C>G on transcript NM_005188.4 (MANE Select); coding-DNA position 192, C replaced by G.
Protein change: p.Asp64Glu; replaces aspartic acid 64 with glutamic acid.
Molecular consequence: missense variant.
Genome position (GRCh38, 1-based): chr11:119,206,609, C>G. VCF-style: chr11-119206609-C-G. GRCh37 (hg19) VCF-style: chr11-119077319-C-G.
Other names: short protein forms D64E.
Identifiers: ClinVar variation 561897 (VCV000561897.10), dbSNP rs1565851628, ClinGen allele CA382976766.
Genomic context (GRCh38, chr11:119,206,609, plus strand): 5'-CCCCCACCCGCCGGGGACGGTGGACAAGAAGATGGTGGAGAAGTGCTGGAAGCTCATGGA[C>G]AAGGTGAAAGGCCGGCTGAGCGCCCGCTGTTGCAGGGTGGGCGTGGGCGGAGGGCCGCGG-3'
Protein context (NP_005179.2, residues 54-74): KMVEKCWKLM[Asp64Glu]KVVRLCQNPK

ClinVar aggregate classification (germline): Uncertain significance. Review status: criteria provided, multiple submitters, no conflicts (2 of 4 stars). 4 submissions from 4 submitters: Uncertain significance (4). Last evaluated 2024-07-07.

Conditions:
CBL-related disorder. Also called: NOONAN SYNDROME-LIKE DISORDER WITHOUT JUVENILE MYELOMONOCYTIC LEUKEMIA; CBL MUTATION-ASSOCIATED SYNDROME; CBL SYNDROME. Identifiers: Orphanet 363972, MedGen C3150803, MONDO:0013308, OMIM 613563.
RASopathy. Also called: rasopathies; Noonan spectrum disorder. Identifiers: Orphanet 536391, MedGen C5555857, MONDO:0021060.
Cardiovascular phenotype. Identifiers: MedGen CN230736.

Allele frequency attached by ClinVar (database versions not stated): gnomAD exomes below 0.00001.
gnomAD v4.1: 1 of 1,547,462 alleles (0.000065%); highest among the groups gnomAD compares: Non-Finnish European, 0.000087%; no homozygotes.

Submissions (4):

Ambry Genetics
Classification: Uncertain significance for Cardiovascular phenotype. Last evaluated: 2024-07-07. Review status: criteria provided, single submitter. Criteria: Ambry Variant Classification Scheme 2023. Collection method: clinical testing. Allele origin: germline.
Comment: The p.D64E variant (also known as c.192C>G), located in coding exon 1 of the CBL gene, results from a C to G substitution at nucleotide position 192. The aspartic acid at codon 64 is replaced by glutamic acid, an amino acid with highly similar properties. This amino acid position is conserved. In addition, the in silico prediction for this alteration is inconclusive. Based on the available evidence, the clinical significance of this variant remains unclear.

PreventionGenetics, part of Exact Sciences
Classification: Uncertain significance for CBL-related condition. Last evaluated: 2022-12-29. Review status: criteria provided, single submitter. Criteria: ACMG Guidelines, 2015. Collection method: clinical testing. Allele origin: germline.
Comment: The CBL c.192C>G variant is predicted to result in the amino acid substitution p.Asp64Glu. To our knowledge, this variant has not been reported in the literature or in a large population database, indicating this variant is rare. At this time, the clinical significance of this variant is uncertain due to the absence of conclusive functional and genetic evidence.

Labcorp Genetics (formerly Invitae), Labcorp
Classification: Uncertain significance for RASopathy. Last evaluated: 2021-09-19. Review status: criteria provided, single submitter. Criteria: Invitae Variant Classification Sherloc (09022015). Collection method: clinical testing. Allele origin: germline.
Comment: This sequence change replaces aspartic acid with glutamic acid at codon 64 of the CBL protein (p.Asp64Glu). The aspartic acid residue is highly conserved and there is a small physicochemical difference between aspartic acid and glutamic acid. This variant is not present in population databases (ExAC no frequency). This variant has not been reported in the literature in individuals affected with CBL-related conditions. ClinVar contains an entry for this variant (Variation ID: 561897). Algorithms developed to predict the effect of missense changes on protein structure and function are either unavailable or do not agree on the potential impact of this missense change (SIFT: "Deleterious"; PolyPhen-2: "Benign"; Align-GVGD: "Class C0"). In summary, the available evidence is currently insufficient to determine the role of this variant in disease. Therefore, it has been classified as a Variant of Uncertain Significance.

GeneDx
Classification: Uncertain significance. Last evaluated: 2018-06-27. Review status: criteria provided, single submitter. Criteria: GeneDx Variant Classification (06012015). Collection method: clinical testing. Allele origin: germline. Affected: yes.
Comment: The D64E variant in the CBL gene has not been reported previously as a pathogenic variant, nor as a benign variant, to our knowledge. This variant is not observed in large population cohorts (Lek et al., 2016). The D64E variant is a conservative amino acid substitution, which is not likely to impact secondary protein structure as these residues share similar properties. In-silico analyses, including protein predictors and evolutionary conservation, support a deleterious effect. We interpret D64E as a variant of uncertain significance.